The following is an entry in ClinVar:

NM_152327.5(AK7):c.266G>A (p.Arg89Gln)

Gene: AK7 (adenylate kinase 7; plus strand). Cytogenetic location: 14q32.2.
Variant type: single nucleotide variant.
Coding change: c.266G>A on transcript NM_152327.5 (MANE Select); coding-DNA position 266, G replaced by A.
Protein change: p.Arg89Gln; replaces arginine 89 with glutamine.
Molecular consequence: missense variant.
Genome position (GRCh38, 1-based): chr14:96,398,235, G>A. VCF-style: chr14-96398235-G-A. GRCh37 (hg19) VCF-style: chr14-96864572-G-A.
Other names: c.266G>A, p.Arg89Gln (NM_001350888.2, NM_001350890.2, NM_001350891.2 and 1 more transcripts); c.266G>A (NM_152327.2); short protein forms R89Q.
Identifiers: ClinVar variation 1424672 (VCV001424672.6), dbSNP rs773293078, ClinGen allele CA7337393.

ClinVar aggregate classification (germline): Conflicting classifications of pathogenicity. Review status: criteria provided, conflicting classifications (1 of 4 stars). 2 submissions from 2 submitters: Uncertain significance (1); Likely benign (1). Last evaluated 2024-07-22.

Allele frequency attached by ClinVar (database versions not stated): gnomAD exomes below 0.00001; ExAC 0.00001; gnomAD 0.00001 and 0.00002; TOPMed 0.00001.
gnomAD v4.1: 10 of 1,613,380 alleles (0.00062%); highest among the groups gnomAD compares: South Asian, 0.0022%; no homozygotes.

Submissions (2):

Labcorp Genetics (formerly Invitae), Labcorp
Classification: Uncertain significance. Last evaluated: 2024-07-22. Review status: criteria provided, single submitter. Criteria: Invitae Variant Classification Sherloc (09022015). Collection method: clinical testing. Allele origin: germline.
Comment: This sequence change replaces arginine, which is basic and polar, with glutamine, which is neutral and polar, at codon 89 of the AK7 protein (p.Arg89Gln). This variant is present in population databases (rs773293078, gnomAD 0.0009%). This variant has not been reported in the literature in individuals affected with AK7-related conditions. ClinVar contains an entry for this variant (Variation ID: 1424672). Advanced modeling of protein sequence and biophysical properties (such as structural, functional, and spatial information, amino acid conservation, physicochemical variation, residue mobility, and thermodynamic stability) performed at Invitae indicates that this missense variant is not expected to disrupt AK7 protein function with a negative predictive value of 80%. In summary, the available evidence is currently insufficient to determine the role of this variant in disease. Therefore, it has been classified as a Variant of Uncertain Significance.

Ambry Genetics
Classification: Likely benign. Last evaluated: 2024-04-15. Review status: criteria provided, single submitter. Criteria: Ambry Variant Classification Scheme 2023. Collection method: clinical testing. Allele origin: germline.